The following is an entry in ClinVar:

ClinVar aggregate classification (germline): Uncertain significance (1 of 4 stars; one submission).

Submission:

GeneDx
Classification: Uncertain significance. Last evaluated: 2023-01-09. Review status: criteria provided, single submitter. Criteria: GeneDx Variant Classification Process June 2021. Collection method: clinical testing. Allele origin: germline. Affected: yes.
Comment: Not observed at significant frequency in large population cohorts (gnomAD); In silico analysis supports that this missense variant has a deleterious effect on protein structure/function; Has not been previously published as pathogenic or benign to our knowledge

NM_004444.5(EPHB4):c.2017C>A (p.His673Asn)

Gene: EPHB4 (EPH receptor B4; minus strand). Cytogenetic location: 7q22.1.
Variant type: single nucleotide variant.
Coding change: c.2017C>A on transcript NM_004444.5 (MANE Select); coding-DNA position 2017, C replaced by A.
Protein change: p.His673Asn; replaces histidine 673 with asparagine.
Molecular consequence: missense variant.
Genome position (GRCh38, 1-based): chr7:100,812,848, G>T on the plus strand (C>A on the coding strand, the complement: EPHB4 is on the minus strand). VCF-style: chr7-100812848-G-T. GRCh37 (hg19) VCF-style: chr7-100410470-G-T.
Other names: short protein forms H673N.
Identifiers: ClinVar variation 2574222 (VCV002574222.1), dbSNP rs2485016393, ClinGen allele CA368570173.